The following is an entry in ClinVar:

NM_004958.4(MTOR):c.7308_7310dup (p.Thr2436_Lys2437insAsn)

Gene: MTOR (mechanistic target of rapamycin kinase; minus strand). Cytogenetic location: 1p36.22.
Variant type: Duplication.
Coding change: c.7308_7310dup on transcript NM_004958.4 (MANE Select); coding-DNA positions 7308 to 7310, 3 bases duplicated (CAA; older notation c.7308_7310dupCAA).
Protein change: p.Thr2436_Lys2437insAsn.
Molecular consequence: inframe insertion.
Genome position (GRCh38, 1-based): chr1:11,112,908-11,112,910, TTG duplicated on the plus strand (CAA on the coding strand, the reverse complement: MTOR is on the minus strand). VCF-style (leftmost placement, unchanged base first): chr1-11112907-T-TTTG. GRCh37 (hg19) VCF-style: chr1-11172964-T-TTTG.
Other names: c.7308_7310dup, p.Thr2436_Lys2437insAsn (NM_001386500.1); c.6060_6062dup, p.Thr2020_Lys2021insAsn (NM_001386501.1).
Identifiers: ClinVar variation 1151339 (VCV001151339.23), dbSNP rs2100305158, ClinGen allele CA2499214116.

ClinVar aggregate classification (germline): Likely benign. Review status: criteria provided, multiple submitters, no conflicts (2 of 4 stars). 2 submissions from 2 submitters: Likely benign (2). Last evaluated 2024-09-01.

Allele frequency attached by ClinVar (database versions not stated): gnomAD exomes 0.00001.

Submissions (2):

CeGaT Center for Human Genetics Tuebingen
Classification: Likely benign. Last evaluated: 2024-09-01. Review status: criteria provided, single submitter. Criteria: CeGaT Center For Human Genetics Tuebingen Variant Classification Criteria Version 2. Collection method: clinical testing. Allele origin: germline. Affected: yes. Observed: 1 variant allele.
Comment: MTOR: PM4:Supporting, BS2

Labcorp Genetics (formerly Invitae), Labcorp
Classification: Likely benign. Last evaluated: 2020-07-02. Review status: criteria provided, single submitter. Criteria: Invitae Variant Classification Sherloc (09022015). Collection method: clinical testing. Allele origin: germline.